The following is an entry in ClinVar:

NM_000179.3(MSH6):c.3602_3614delinsACA (p.Leu1201fs)

Gene: MSH6 (mutS homolog 6; plus strand). Cytogenetic location: 2p16.3.
Variant type: Indel.
Coding change: c.3602_3614delinsACA on transcript NM_000179.3 (MANE Select); coding-DNA positions 3602 to 3614, TCATGCATGCAAC replaced by ACA.
Protein change: p.Leu1201fs; shifts the reading frame from leucine 1201.
Molecular consequence: frameshift variant. On other transcripts: non-coding transcript variant (5).
Genome position (GRCh38, 1-based): chr2:47,805,663-47,805,675, TCATGCATGCAAC replaced by ACA. VCF-style: chr2-47805663-TCATGCATGCAAC-ACA. GRCh37 (hg19) VCF-style: chr2-48032802-TCATGCATGCAAC-ACA.
Other names: c.3602_3614delTCATGCATGCAACinsACA, p.Leu1201Hisfs (NM_000179.2); c.3212_3224delinsACA, p.Leu1071fs (NM_001281492.2); c.2696_2708delinsACA, p.Leu899fs (NM_001281493.2, NM_001281494.2, NM_001406811.1 and 6 more transcripts); c.3698_3710delinsACA, p.Leu1233fs (NM_001406795.1, NM_001406802.1); c.3602_3614delinsACA, p.Leu1201fs (NM_001406796.1, NM_001406800.1, NM_001406808.1 and 1 more transcripts); c.3305_3317delinsACA, p.Leu1102fs (NM_001406797.1, NM_001406801.1, NM_001406805.1 and 10 more transcripts); c.3428_3440delinsACA, p.Leu1143fs (NM_001406798.1); c.3077_3089delinsACA, p.Leu1026fs (NM_001406799.1, NM_001406806.1, NM_001406807.1); and 9 more; short protein forms L1026fs, L1071fs, L1102fs, L1143fs, L1145fs, L1175fs, L1201fs, L1203fs.
Identifiers: ClinVar variation 2573257 (VCV002573257.4), dbSNP rs2530823820, ClinGen allele CA2580612566.
Genomic context (GRCh38, chr2:47,805,663, plus strand): 5'-TTTTTTTTTTTTAAGGTGAAAGTACATTTTTTGTTGAATTAAGTGAAACTGCCAGCATAC[TCATGCATGCAAC>ACA]AGCACATTCTCTGGTGCTTGTGGATGAATTAGGTAAGACATTAAACTTCTCATTTGAAGA-3'

ClinVar aggregate classification (germline): Pathogenic. Review status: criteria provided, multiple submitters, no conflicts (2 of 4 stars). 4 submissions from 4 submitters: Pathogenic (4). Last evaluated 2025-04-22.

Conditions:
Hereditary cancer-predisposing syndrome. Also called: Hereditary neoplastic syndrome; Hereditary Cancer Syndrome; Neoplastic Syndromes, Hereditary; Tumor predisposition. Identifiers: Orphanet 140162, MedGen C0027672, MeSH D009386, MONDO:0015356.
Hereditary nonpolyposis colon cancer (HNPCC). Also called: Hereditary Nonpolyposis Colorectal Cancer Syndrome; Hereditary nonpolyposis colorectal cancer; Familial nonpolyposis colon cancer. Identifiers: Orphanet 443909, MedGen C1333990, MONDO:0018630. Disease mechanism: loss of function.
Lynch syndrome 5 (LYNCH5). Also called: Hereditary non-polyposis colorectal cancer, type 5; Colorectal cancer, hereditary nonpolyposis, type 5. Identifiers: Orphanet 144, MedGen C1833477, MONDO:0013710, OMIM 614350. Disease mechanism: loss of function.

Submissions (4):

Women's Health and Genetics/Laboratory Corporation of America, LabCorp
Classification: Pathogenic for Hereditary nonpolyposis colon cancer. Last evaluated: 2025-04-22. Review status: criteria provided, single submitter. Criteria: LabCorp Variant Classification Summary - May 2015. Collection method: clinical testing. Allele origin: germline.
Comment: Variant summary: MSH6 c.3602_3614delinsACA (p.Leu1201HisfsX12) results in a premature termination codon, predicted to cause a truncation of the encoded protein or absence of the protein due to nonsense mediated decay, which are commonly known mechanisms for disease. The variant was absent in 1613030 control chromosomes. To our knowledge, no occurrence of c.3602_3614delinsACA in individuals affected with Hereditary Nonpolyposis Colorectal Cancer and no experimental evidence demonstrating its impact on protein function have been reported. ClinVar contains an entry for this variant (Variation ID: 2573257). Based on the evidence outlined above, the variant was classified as pathogenic.

Ambry Genetics
Classification: Pathogenic for Hereditary cancer-predisposing syndrome. Last evaluated: 2023-09-20. Review status: criteria provided, single submitter. Criteria: Ambry Variant Classification Scheme 2023. Collection method: clinical testing. Allele origin: germline.
Comment: The c.3602_3614del13insACA variant, located in coding exon 7 of the MSH6 gene, results from the deletion of 13 nucleotides and insertion of 3 nucleotides causing a translational frameshift with a predicted alternate stop codon (p.L1201Hfs*12). This variant is considered to be rare based on population cohorts in the Genome Aggregation Database (gnomAD). This alteration is expected to result in loss of function by premature protein truncation or nonsense-mediated mRNA decay. As such, this alteration is interpreted as a disease-causing mutation.

Quest Diagnostics Nichols Institute San Juan Capistrano
Classification: Pathogenic. Last evaluated: 2023-08-11. Review status: criteria provided, single submitter. Criteria: Quest Diagnostics criteria. Collection method: clinical testing. Allele origin: unknown.
Comment: The MSH6 c.3602_3614delinsACA (p.Leu1201Hisfs*12) variant alters the translational reading frame of the MSH6 mRNA and causes the premature termination of MSH6 protein synthesis. This variant has not been reported in individuals with MSH6-related conditions in the published literature. This variant has not been reported in large, multi-ethnic general populations (Genome Aggregation Database). Based on the available information, this variant is classified as pathogenic.

Myriad Genetics, Inc.
Classification: Pathogenic for Lynch syndrome 5. Last evaluated: 2023-04-03. Review status: criteria provided, single submitter. Criteria: Myriad Autosomal Dominant, Autosomal Recessive and X-Linked Classification Criteria (2023). Collection method: clinical testing. Allele origin: unknown.
Comment: This variant is considered pathogenic. This variant creates a frameshift predicted to result in premature protein truncation.